The following is an entry in ClinVar:

ClinVar aggregate classification (germline): Uncertain significance (1 of 4 stars; one submission).

Conditions:
Fanconi anemia (FA). Also called: Fanconi's anemia. Identifiers: Orphanet 84, MedGen C0015625, MeSH D005199, MONDO:0019391.

Allele frequency attached by ClinVar (database versions not stated): gnomAD exomes below 0.00001.
gnomAD v4.1: 2 of 1,606,922 alleles (0.00012%); highest among the groups gnomAD compares: Non-Finnish European, 0.00017%; no homozygotes.

Submission:

Labcorp Genetics (formerly Invitae), Labcorp
Classification: Uncertain significance for Fanconi anemia. Last evaluated: 2022-07-23. Review status: criteria provided, single submitter. Criteria: Invitae Variant Classification Sherloc (09022015). Collection method: clinical testing. Allele origin: germline.
Comment: This sequence change replaces histidine, which is basic and polar, with glutamine, which is neutral and polar, at codon 550 of the FANCD2 protein (p.His550Gln). This variant is not present in population databases (gnomAD no frequency). This variant has not been reported in the literature in individuals affected with FANCD2-related conditions. Algorithms developed to predict the effect of missense changes on protein structure and function are either unavailable or do not agree on the potential impact of this missense change (SIFT: "Tolerated"; PolyPhen-2: "Probably Damaging"; Align-GVGD: "Class C0"). In summary, the available evidence is currently insufficient to determine the role of this variant in disease. Therefore, it has been classified as a Variant of Uncertain Significance.

NM_001018115.3(FANCD2):c.1650C>G (p.His550Gln)

Genes: FANCD2 (FA complementation group D2; plus strand), LOC107303338 (3p25 FANCD2 Alu-mediated recombination region; plus strand). Cytogenetic location: 3p25.3.
Variant type: single nucleotide variant.
Coding change: c.1650C>G on transcript NM_001018115.3 (MANE Select); coding-DNA position 1650, C replaced by G.
Protein change: p.His550Gln; replaces histidine 550 with glutamine.
Molecular consequence: missense variant. On other transcripts: intron variant (1).
Genome position (GRCh38, 1-based): chr3:10,052,491, C>G. VCF-style: chr3-10052491-C-G. GRCh37 (hg19) VCF-style: chr3-10094175-C-G.
Other names: c.1650C>G, p.His550Gln (NM_001319984.2, NM_001374254.1, NM_033084.6); c.1545+2986C>G (NM_001374253.1); short protein forms H550Q.
Identifiers: ClinVar variation 2192153 (VCV002192153.4), dbSNP rs2087247098, ClinGen allele CA351740783.